The following is an entry in ClinVar:

NM_000384.3(APOB):c.5564dup (p.Val1856fs)

Gene: APOB (apolipoprotein B; minus strand). Cytogenetic location: 2p24.1.
Variant type: Duplication.
Coding change: c.5564dup on transcript NM_000384.3 (MANE Select); coding-DNA position 5564, one base duplicated (C; older notation c.5564dupC).
Protein change: p.Val1856fs; shifts the reading frame from valine 1856.
Molecular consequence: frameshift variant.
Genome position (GRCh38, 1-based): chr2:21,011,304, G duplicated on the plus strand (C on the coding strand, the reverse complement: APOB is on the minus strand). VCF-style (leftmost placement, unchanged base first): chr2-21011303-A-AG. GRCh37 (hg19) VCF-style: chr2-21234175-A-AG.
Other names: short protein forms V1856fs.
Identifiers: ClinVar variation 2501611 (VCV002501611.23), dbSNP rs2465374413, ClinGen allele CA2576686528.

ClinVar aggregate classification (germline): Pathogenic/Likely pathogenic. Review status: criteria provided, multiple submitters, no conflicts (2 of 4 stars). 2 submissions from 2 submitters: Pathogenic (1); Likely pathogenic (1). Last evaluated 2024-02-01.

Allele frequency attached by ClinVar (database versions not stated): gnomAD exomes below 0.00001.

Submissions (2):

CeGaT Center for Human Genetics Tuebingen
Classification: Pathogenic. Last evaluated: 2024-02-01. Review status: criteria provided, single submitter. Criteria: CeGaT Center For Human Genetics Tuebingen Variant Classification Criteria Version 2. Collection method: clinical testing. Allele origin: germline. Affected: yes. Observed: 1 variant allele.
Comment: APOB: PVS1, PM2

GeneDx
Classification: Likely pathogenic. Last evaluated: 2022-11-04. Review status: criteria provided, single submitter. Criteria: GeneDx Variant Classification Process June 2021. Collection method: clinical testing. Allele origin: germline. Affected: yes.
Comment: Frameshift variant predicted to result in protein truncation or nonsense mediated decay in a gene for which loss of function is a known mechanism of disease; Not observed at significant frequency in large population cohorts (gnomAD); Observed in the heterozygous state in a family with hypobetalipoproteinemia (Whitfield et al., 2003); This variant is associated with the following publications: (PMID: 12872264)